The following is an entry in ClinVar:

NM_000203.5(IDUA):c.251G>C (p.Gly84Ala)

Genes: IDUA (alpha-L-iduronidase; plus strand), SLC26A1 (solute carrier family 26 member 1; minus strand). Cytogenetic location: 4p16.3.
Variant type: single nucleotide variant.
Coding change: c.251G>C on transcript NM_000203.5 (MANE Select); coding-DNA position 251, G replaced by C.
Protein change: p.Gly84Ala; replaces glycine 84 with alanine.
Molecular consequence: missense variant. On other transcripts: 3 prime UTR variant (2), non-coding transcript variant (1), intron variant (1).
Genome position (GRCh38, 1-based): chr4:987,901, G>C. VCF-style: chr4-987901-G-C. GRCh37 (hg19) VCF-style: chr4-981689-G-C.
Other names: c.*932C>G (NM_022042.4, NM_213613.4); c.576+3227C>G (NM_134425.4); short protein forms G84A.
Identifiers: ClinVar variation 2203494 (VCV002203494.26), dbSNP rs1359058958, ClinGen allele CA355946494.

ClinVar aggregate classification (germline): Uncertain significance. Review status: criteria provided, multiple submitters, no conflicts (2 of 4 stars). 3 submissions from 3 submitters: Uncertain significance (3). Last evaluated 2024-12-16.

Conditions:
Mucopolysaccharidosis type 1. Also called: IDUA deficiency; MPS I; Mucopolysaccharidosis Type I. Identifiers: Orphanet 579, MedGen C0023786, MONDO:0001586.

gnomAD v4.1: 11 of 1,607,266 alleles (0.00068%); highest among the groups gnomAD compares: Non-Finnish European, 0.00085%; no homozygotes.

Submissions (3):

Revvity Omics, Revvity
Classification: Uncertain significance. Last evaluated: 2024-12-16. Review status: criteria provided, single submitter. Criteria: ACMG Guidelines, 2015. Collection method: clinical testing. Allele origin: germline.

CeGaT Center for Human Genetics Tuebingen
Classification: Uncertain significance. Last evaluated: 2023-09-01. Review status: criteria provided, single submitter. Criteria: CeGaT Center For Human Genetics Tuebingen Variant Classification Criteria Version 2. Collection method: clinical testing. Allele origin: germline. Affected: yes. Observed: 1 variant allele.
Comment: IDUA: PM2

Labcorp Genetics (formerly Invitae), Labcorp
Classification: Uncertain significance for Mucopolysaccharidosis type 1. Last evaluated: 2022-07-14. Review status: criteria provided, single submitter. Criteria: Invitae Variant Classification Sherloc (09022015). Collection method: clinical testing. Allele origin: germline.
Comment: This sequence change replaces glycine, which is neutral and non-polar, with alanine, which is neutral and non-polar, at codon 84 of the IDUA protein (p.Gly84Ala). This variant is present in population databases (no rsID available, gnomAD 0.001%). This missense change has been observed in individual(s) with a positive newborn screening result for IDUA-related disease (PMID: 28721335). Advanced modeling of protein sequence and biophysical properties (such as structural, functional, and spatial information, amino acid conservation, physicochemical variation, residue mobility, and thermodynamic stability) performed at Invitae indicates that this missense variant is expected to disrupt IDUA protein function. In summary, the available evidence is currently insufficient to determine the role of this variant in disease. Therefore, it has been classified as a Variant of Uncertain Significance.

Literature cited by the submitters: PubMed 28721335 (cited by Labcorp Genetics (formerly Invitae), Labcorp).